The following is an entry in ClinVar:

ClinVar aggregate classification (germline): Uncertain significance. Review status: criteria provided, multiple submitters, no conflicts (2 of 4 stars). 2 submissions from 2 submitters: Uncertain significance (2). Last evaluated 2025-08-11.

Conditions:
Cardiovascular phenotype. Identifiers: MedGen CN230736.
Long QT syndrome (LQTS). Identifiers: MedGen C0023976, MeSH D008133, MONDO:0002442. Disease mechanism: loss of function. Inheritance: Various modes of inheritance.

Allele frequency attached by ClinVar (database versions not stated): TOPMed below 0.00001.

Submissions (2):

Labcorp Genetics (formerly Invitae), Labcorp
Classification: Uncertain significance for Long QT syndrome. Last evaluated: 2025-08-11. Review status: criteria provided, single submitter. Criteria: Invitae Variant Classification Sherloc (09022015). Collection method: clinical testing. Allele origin: germline.
Comment: This sequence change replaces lysine, which is basic and polar, with glutamic acid, which is acidic and polar, at codon 2005 of the AKAP9 protein (p.Lys2005Glu). This variant is not present in population databases (gnomAD no frequency). This variant has not been reported in the literature in individuals affected with AKAP9-related conditions. ClinVar contains an entry for this variant (Variation ID: 2449770). An algorithm developed to predict the effect of missense changes on protein structure and function (PolyPhen-2) suggests that this variant is likely to be disruptive. In summary, the available evidence is currently insufficient to determine the role of this variant in disease. Therefore, it has been classified as a Variant of Uncertain Significance.

Ambry Genetics
Classification: Uncertain significance for Cardiovascular phenotype. Last evaluated: 2023-01-22. Review status: criteria provided, single submitter. Criteria: Ambry Variant Classification Scheme 2023. Collection method: clinical testing. Allele origin: germline.
Comment: The p.K2005E variant (also known as c.6013A>G), located in coding exon 25 of the AKAP9 gene, results from an A to G substitution at nucleotide position 6013. The lysine at codon 2005 is replaced by glutamic acid, an amino acid with similar properties. This amino acid position is conserved. In addition, this alteration is predicted to be tolerated by in silico analysis. Since supporting evidence is limited at this time, the clinical significance of this alteration remains unclear.

NM_005751.5(AKAP9):c.6013A>G (p.Lys2005Glu)

Gene: AKAP9 (A-kinase anchoring protein 9; plus strand). Cytogenetic location: 7q21.2.
Variant type: single nucleotide variant.
Coding change: c.6013A>G on transcript NM_005751.5 (MANE Select); coding-DNA position 6013, A replaced by G.
Protein change: p.Lys2005Glu; replaces lysine 2005 with glutamic acid.
Molecular consequence: missense variant.
Genome position (GRCh38, 1-based): chr7:92,065,266, A>G. VCF-style: chr7-92065266-A-G. GRCh37 (hg19) VCF-style: chr7-91694580-A-G.
Other names: c.658A>G, p.Lys220Glu (NM_001379277.1); c.6013A>G, p.Lys2005Glu (NM_147185.3); short protein forms K2005E, K220E.
Identifiers: ClinVar variation 2449770 (VCV002449770.4), dbSNP rs1418934614, ClinGen allele CA368132389.